The following is an entry in ClinVar:

ClinVar aggregate classification (germline): Uncertain significance (1 of 4 stars; one submission).

Submission:

GeneDx
Classification: Uncertain significance. Last evaluated: 2025-03-21. Review status: criteria provided, single submitter. Criteria: GeneDx Variant Classification Process June 2021. Collection method: clinical testing. Allele origin: germline. Affected: yes.
Comment: Not observed at significant frequency in large population cohorts (gnomAD); In silico analysis supports that this missense variant has a deleterious effect on protein structure/function; Has not been previously published as pathogenic or benign to our knowledge

NM_006415.4(SPTLC1):c.1001G>C (p.Gly334Ala)

Gene: SPTLC1 (serine palmitoyltransferase long chain base subunit 1; minus strand). Cytogenetic location: 9q22.31.
Variant type: single nucleotide variant.
Coding change: c.1001G>C on transcript NM_006415.4 (MANE Select); coding-DNA position 1001, G replaced by C.
Protein change: p.Gly334Ala; replaces glycine 334 with alanine.
Molecular consequence: missense variant.
Genome position (GRCh38, 1-based): chr9:92,047,252, C>G on the plus strand (G>C on the coding strand, the complement: SPTLC1 is on the minus strand). VCF-style: chr9-92047252-C-G. GRCh37 (hg19) VCF-style: chr9-94809534-C-G.
Other names: c.1001G>C, p.Gly334Ala (NM_001281303.2); c.635G>C, p.Gly212Ala (NM_001368272.1); c.536G>C, p.Gly179Ala (NM_001368273.1); short protein forms G334A, G179A, G212A.
Identifiers: ClinVar variation 4088258 (VCV004088258.1).